The following is an entry in ClinVar:

NM_005228.5(EGFR):c.2470-14C>T

Gene: EGFR (epidermal growth factor receptor; plus strand). Cytogenetic location: 7p11.2.
Variant type: single nucleotide variant.
Coding change: c.2470-14C>T on transcript NM_005228.5 (MANE Select); 14 bases into the intron before coding-DNA position 2470, C replaced by T.
Molecular consequence: intron variant.
Genome position (GRCh38, 1-based): chr7:55,191,705, C>T. VCF-style: chr7-55191705-C-T. GRCh37 (hg19) VCF-style: chr7-55259398-C-T.
Other names: c.2335-14C>T (NM_001346899.2, NM_001346897.2); c.1669-14C>T (NM_001346941.2); c.2470-14C>T (NM_001346898.2); c.2311-14C>T (NM_001346900.2).
Identifiers: ClinVar variation 1674261 (VCV001674261.9), dbSNP rs2128964313, ClinGen allele CA2573142227.
Genomic context (GRCh38, chr7:55,191,705, plus strand): 5'-ATGACCCTGAATTCGGATGCAGAGCTTCTTCCCATGATGATCTGTCCCTCACAGCAGGGT[C>T]TTCTCTGTTTCAGGGCATGAACTACTTGGAGGACCGTCGCTTGGTGCACCGCGACCTGGC-3'

ClinVar aggregate classification (germline): Likely benign. Review status: criteria provided, multiple submitters, no conflicts (2 of 4 stars). 2 submissions from 2 submitters: Likely benign (2). Last evaluated 2025-06-16.

Conditions:
EGFR-related lung cancer (EGFR). Identifiers: MedGen CN130014.
Lung cancer. Also called: Malignant tumor of lung; Lung cancer, somatic. Identifiers: MedGen C0242379, MONDO:0008903, OMIM 211980.

Submissions (2):

Labcorp Genetics (formerly Invitae), Labcorp
Classification: Likely benign for EGFR-related lung cancer. Last evaluated: 2025-06-16. Review status: criteria provided, single submitter. Criteria: Invitae Variant Classification Sherloc (09022015). Collection method: clinical testing. Allele origin: germline.

Myriad Genetics, Inc.
Classification: Likely benign for Lung cancer. Last evaluated: 2024-10-16. Review status: criteria provided, single submitter. Criteria: Myriad Autosomal Dominant, Autosomal Recessive and X-Linked Classification Criteria (2023). Collection method: clinical testing. Allele origin: unknown.
Comment: This variant is considered likely benign. This variant is intronic and is not expected to impact mRNA splicing.